The following is an entry in ClinVar:

ClinVar aggregate classification (germline): Benign/Likely benign. Review status: criteria provided, multiple submitters, no conflicts (2 of 4 stars). 10 submissions from 9 submitters: Benign (9); Likely benign (1). Last evaluated 2026-02-03.

Conditions:
RYR1-related disorder. Also called: RYR1-related disorders; RYR1-related condition. Identifiers: MedGen CN239331.
Congenital multicore myopathy with external ophthalmoplegia (CMYO1B). Also called: Minicore myopathy with external ophthalmoplegia; MULTIMINICORE DISEASE WITH EXTERNAL OPHTHALMOPLEGIA; MULTICORE MYOPATHY; Congenital myopathy 1B, autosomal recessive; Minicore myopathy. Identifiers: Orphanet 598, Orphanet 98905, MedGen C1850674, MONDO:0009712, OMIM 255320, HP:0003789.
Malignant hyperthermia, susceptibility to, 1 (MHS1). Also called: Anesthesia related hyperthermia; Malignant hyperpyrexia; Fulminating hyperpyrexia; Pharmacogenic myopathy; RYR1-Related Malignant Hyperthermia Susceptibility; Malignant hyperthermia suceptibility 1. Identifiers: Orphanet 423, MedGen C2930980, MONDO:0007783, OMIM 145600.

Allele frequency attached by ClinVar (database versions not stated): gnomAD exomes 0.00100 and 0.00262; ExAC 0.00321; gnomAD 0.00922 and 0.00991; ESP Exome Variant Server 0.00992; TOPMed 0.01053; 1000 Genomes Project 0.01597; 1000 Genomes Project 30x 0.01640.
gnomAD v4.1: 2,897 of 1,614,024 alleles (0.18%); highest among the groups gnomAD compares: African/African-American, 3.2%; 35 homozygotes.

Submissions (10):

Labcorp Genetics (formerly Invitae), Labcorp
Classification: Benign for RYR1-related disorder. Last evaluated: 2026-02-03. Review status: criteria provided, single submitter. Criteria: Invitae Variant Classification Sherloc (09022015). Collection method: clinical testing. Allele origin: germline.

All of Us Research Program, National Institutes of Health
Classification: Benign for Malignant hyperthermia, susceptibility to, 1. Last evaluated: 2024-02-05. Review status: criteria provided, single submitter. Criteria: ACMG Guidelines, 2015. Collection method: clinical testing. Allele origin: germline. Inheritance: Autosomal dominant inheritance. Observed: 591 variant alleles, 587 heterozygotes, 4 homozygotes.
Comment: This study involves interpretation of variants in research participants for the purpose of population health screening. Participant phenotype was not available at the time of variant classification. Additional details can be found in publication PMID: 35346344, PMCID: PMC8962531

Color Diagnostics, LLC DBA Color Health
Classification: Benign for Malignant hyperthermia, susceptibility to, 1. Last evaluated: 2022-04-29. Review status: criteria provided, single submitter. Criteria: ACMG Guidelines, 2015. Collection method: clinical testing. Allele origin: germline.

Mayo Clinic Laboratories, Mayo Clinic
Classification: Benign. Last evaluated: 2019-04-24. Review status: criteria provided, single submitter. Criteria: ACMG Guidelines, 2015. Collection method: clinical testing. Allele origin: germline. Observed: 11 variant alleles.

PreventionGenetics, part of Exact Sciences
Classification: Benign. Last evaluated: 2018-03-26. Review status: criteria provided, single submitter. Criteria: ACMG Guidelines, 2015. Collection method: clinical testing. Allele origin: germline.

Illumina Laboratory Services, Illumina
Classification: Benign for Congenital multicore myopathy with external ophthalmoplegia. Last evaluated: 2018-01-12. Review status: criteria provided, single submitter. Criteria: ICSL Variant Classification Criteria 13 December 2019. Collection method: clinical testing. Allele origin: germline.
Comment: This variant was observed in the ICSL laboratory as part of a predisposition screen in an ostensibly healthy population. It had not been previously curated by ICSL or reported in the Human Gene Mutation Database (HGMD: prior to June 1st, 2018), and was therefore a candidate for classification through an automated scoring system. Utilizing variant allele frequency, disease prevalence and penetrance estimates, and inheritance mode, an automated score was calculated to assess if this variant is too frequent to cause the disease. Based on the score and internal cut-off values, a variant classified as benign is not then subjected to further curation. The score for this variant resulted in a classification of benign for this disease.

Illumina Laboratory Services, Illumina
Classification: Benign for Malignant hyperthermia, susceptibility to, 1. Last evaluated: 2018-01-12. Review status: criteria provided, single submitter. Criteria: ICSL Variant Classification Criteria 13 December 2019. Collection method: clinical testing. Allele origin: germline.
Comment: the same text as in the submission from Illumina Laboratory Services, Illumina above.

GeneDx
Classification: Benign. Last evaluated: 2016-07-27. Review status: criteria provided, single submitter. Criteria: GeneDx Variant Classification (06012015). Collection method: clinical testing. Allele origin: germline. Affected: yes.
Comment: This variant is considered likely benign or benign based on one or more of the following criteria: it is a conservative change, it occurs at a poorly conserved position in the protein, it is predicted to be benign by multiple in silico algorithms, and/or has population frequency not consistent with disease.

Genetic Services Laboratory, University of Chicago
Classification: Benign. Last evaluated: 2013-02-08. Review status: criteria provided, single submitter. Criteria: ACMG Guidelines, 2007. Collection method: clinical testing. Allele origin: germline. Inheritance: Autosomal unknown.

Breakthrough Genomics
Classification: Likely benign. Review status: criteria provided, single submitter. Criteria: ACMG Guidelines, 2015. Collection method: not provided. Allele origin: germline. Inheritance: Autosomal recessive inheritance. Affected: yes.

NM_000540.3(RYR1):c.11625G>A (p.Ala3875=)

Gene: RYR1 (ryanodine receptor 1; plus strand). Cytogenetic location: 19q13.2.
Variant type: single nucleotide variant.
Coding change: c.11625G>A on transcript NM_000540.3 (MANE Select); coding-DNA position 11625, G replaced by A.
Protein change: p.Ala3875=; no amino-acid change (alanine 3875 retained).
Molecular consequence: synonymous variant.
Genome position (GRCh38, 1-based): chr19:38,537,896, G>A. VCF-style: chr19-38537896-G-A. GRCh37 (hg19) VCF-style: chr19-39028536-G-A.
Other names: p.Ala3875=; c.11610G>A, p.Ala3870= (NM_001042723.2).
Identifiers: ClinVar variation 159831 (VCV000159831.25), dbSNP rs61729397, ClinGen allele CA023924.